The following is an entry in ClinVar:

NM_020821.3(VPS13C):c.1132A>G (p.Ile378Val)

Gene: VPS13C (vacuolar protein sorting 13 homolog C; minus strand). Cytogenetic location: 15q22.2.
Variant type: single nucleotide variant.
Coding change: c.1132A>G on transcript NM_020821.3 (MANE Select); coding-DNA position 1132, A replaced by G.
Protein change: p.Ile378Val; replaces isoleucine 378 with valine.
Molecular consequence: missense variant.
Genome position (GRCh38, 1-based): chr15:62,007,466, T>C on the plus strand (A>G on the coding strand, the complement: VPS13C is on the minus strand). VCF-style: chr15-62007466-T-C. GRCh37 (hg19) VCF-style: chr15-62299665-T-C.
Other names: c.1132A>G, p.Ile378Val (NM_001018088.3); c.1003A>G, p.Ile335Val (NM_017684.5, NM_018080.4); short protein forms I335V, I378V.
Identifiers: ClinVar variation 748641 (VCV000748641.10), dbSNP rs371570548, ClinGen allele CA7597186.

ClinVar aggregate classification (germline): Likely benign. Review status: criteria provided, single submitter (1 of 4 stars). 2 submissions from 2 submitters: Likely benign (1). 1 of the submissions does not count toward it. Last evaluated 2025-04-06.

Conditions:
VPS13C-related disorder. Also called: VPS13C-related condition.

Allele frequency attached by ClinVar (database versions not stated): gnomAD 0.00002 and 0.00014; TOPMed 0.00005; ESP Exome Variant Server 0.00008; gnomAD exomes 0.00029 and 0.00068; ExAC 0.00087; 1000 Genomes Project 30x 0.00156; 1000 Genomes Project 0.00180.

Submissions (2):

Labcorp Genetics (formerly Invitae), Labcorp
Classification: Likely benign. Last evaluated: 2025-04-06. Review status: criteria provided, single submitter. Criteria: Invitae Variant Classification Sherloc (09022015). Collection method: clinical testing. Allele origin: germline.

PreventionGenetics, part of Exact Sciences
Classification: Likely benign for VPS13C-related condition. Last evaluated: 2023-05-30. Review status: no assertion criteria provided. Collection method: clinical testing. Allele origin: germline. Not counted in ClinVar's aggregate classification.
Comment: This variant is classified as likely benign based on ACMG/AMP sequence variant interpretation guidelines (Richards et al. 2015 PMID: 25741868, with internal and published modifications).